The following is an entry in ClinVar:

ClinVar aggregate classification (germline): Uncertain significance (1 of 4 stars; one submission).

gnomAD v4.1: 1 of 1,614,188 alleles (0.000062%); highest among the groups gnomAD compares: Non-Finnish European, 0.000085%; no homozygotes.

Submission:

Ambry Genetics
Classification: Uncertain significance. Last evaluated: 2025-11-29. Review status: criteria provided, single submitter. Criteria: Ambry Variant Classification Scheme 2023. Collection method: clinical testing. Allele origin: germline.
Comment: The p.P1312L variant (also known as c.3935C>T), located in coding exon 14 of the CDK12 gene, results from a C to T substitution at nucleotide position 3935. The proline at codon 1312 is replaced by leucine, an amino acid with similar properties. This amino acid position is conserved. In addition, this alteration is predicted to be tolerated by in silico analysis. Based on the available evidence, the clinical significance of this variant remains unclear.

NM_016507.4(CDK12):c.3935C>T (p.Pro1312Leu)

Gene: CDK12 (cyclin dependent kinase 12; plus strand). Cytogenetic location: 17q12.
Variant type: single nucleotide variant.
Coding change: c.3935C>T on transcript NM_016507.4 (MANE Select); coding-DNA position 3935, C replaced by T.
Protein change: p.Pro1312Leu; replaces proline 1312 with leucine.
Molecular consequence: missense variant.
Genome position (GRCh38, 1-based): chr17:39,530,778, C>T. VCF-style: chr17-39530778-C-T. GRCh37 (hg19) VCF-style: chr17-37687031-C-T.
Other names: c.3908C>T, p.Pro1303Leu (NM_015083.4); short protein forms P1312L, P1303L.
Identifiers: ClinVar variation 4651472 (VCV004651472.1).
Genomic context (GRCh38, chr17:39,530,778, plus strand): 5'-AGTTGAACCCAGCCGTGACAGCCGCCTTGCTGCAACTTTTATCCCAGCCTGAAGCAGAGC[C>T]TCCTGGCCACCTGCCACATGAGCACCAGGCCTTGAGACCAATGGAGTACTCCACCCGACC-3'
Protein context (NP_057591.2, residues 1302-1322): LQLLSQPEAE[Pro1312Leu]PGHLPHEHQA